The following is an entry in ClinVar:

ClinVar aggregate classification (germline): Pathogenic (1 of 4 stars; one submission).

Submission:

GeneDx
Classification: Pathogenic. Last evaluated: 2015-11-20. Review status: criteria provided, single submitter. Criteria: GeneDx Variant Classification (06012015). Collection method: clinical testing. Allele origin: germline. Affected: yes.
Comment: The c.3062delT pathogenic variant in the JAG1 gene causes a frameshift starting with codon Isoleucine 1021, changes this amino acid to a Asparagine residue and creates a premature Stop codon at position 15 of the new reading frame, denoted p.Ile1021AsnfsX15. This pathogenic variant is predicted to cause loss of normal protein function either through protein truncation or nonsense-mediated mRNA decay. Although this pathogenic variant has not been previously reported to our knowledge, its presence is consistent with the diagnosis of Alagille syndrome.

NM_000214.3(JAG1):c.3062del (p.Ile1021fs)

Gene: JAG1 (jagged canonical Notch ligand 1; minus strand). Cytogenetic location: 20p12.2.
Variant type: Deletion.
Coding change: c.3062del on transcript NM_000214.3 (MANE Select); coding-DNA position 3062, one base deleted (T; older notation c.3062delT).
Protein change: p.Ile1021fs; shifts the reading frame from isoleucine 1021.
Molecular consequence: frameshift variant.
Genome position (GRCh38, 1-based): chr20:10,640,920, A deleted on the plus strand (T on the coding strand, the reverse complement: JAG1 is on the minus strand). VCF-style (leftmost placement, unchanged base first): chr20-10640919-TA-T. GRCh37 (hg19) VCF-style: chr20-10621567-TA-T.
Other names: c.3062del, p.Ile1021fs (LRG_1191t1); short protein forms I1021fs.
Identifiers: ClinVar variation 234577 (VCV000234577.2), dbSNP rs876661095, ClinGen allele CA10577607.